The following is an entry in ClinVar:

ClinVar aggregate classification (germline): Likely pathogenic (1 of 4 stars; one submission).

Conditions:
JAG1-related disorder. Also called: JAG1-related disorders; JAG1-related condition.

Submission:

PreventionGenetics, part of Exact Sciences
Classification: Likely pathogenic for JAG1-related condition. Last evaluated: 2024-11-13. Review status: criteria provided, single submitter. Criteria: ACMG Guidelines, 2015. Collection method: clinical testing. Allele origin: germline.
Comment: The JAG1 c.1235-2A>G variant is predicted to disrupt the AG splice acceptor site and interfere with normal splicing. To our knowledge, this variant has not been reported in the literature or in a large population database (gnomAD), indicating this variant is rare. Variants that disrupt the consensus splice acceptor site in JAG1 are expected to be pathogenic. This variant is interpreted as likely pathogenic.

NM_000214.3(JAG1):c.1235-2A>G

Genes: JAG1 (jagged canonical Notch ligand 1; minus strand), MIR6870 (microRNA 6870; minus strand). Cytogenetic location: 20p12.2.
Variant type: single nucleotide variant.
Coding change: c.1235-2A>G on transcript NM_000214.3 (MANE Select); the canonical splice acceptor site of the intron before coding-DNA position 1235, A replaced by G.
Molecular consequence: splice acceptor variant. On other transcripts: non-coding transcript variant (1).
Genome position (GRCh38, 1-based): chr20:10,649,637, T>C on the plus strand (A>G on the coding strand, the complement: JAG1 is on the minus strand). VCF-style: chr20-10649637-T-C. GRCh37 (hg19) VCF-style: chr20-10630285-T-C.
Identifiers: ClinVar variation 5002240 (VCV005002240.1).